The following is an entry in ClinVar:

NM_001184.4(ATR):c.2341+185G>A

Gene: ATR (ATR checkpoint kinase; minus strand). Cytogenetic location: 3q23.
Variant type: single nucleotide variant.
Coding change: c.2341+185G>A on transcript NM_001184.4 (MANE Select); 185 bases into the intron after coding-DNA position 2341, G replaced by A.
Molecular consequence: intron variant.
Genome position (GRCh38, 1-based): chr3:142,555,692, C>T on the plus strand (G>A on the coding strand, the complement: ATR is on the minus strand). VCF-style: chr3-142555692-C-T. GRCh37 (hg19) VCF-style: chr3-142274534-C-T.
Other names: c.2149+185G>A (NM_001354579.2).
Identifiers: ClinVar variation 678202 (VCV000678202.1), dbSNP rs7641914, ClinGen allele CA11456399.
Genomic context (GRCh38, chr3:142,555,692, plus strand): 5'-GTATGCCCCATTTAGGCTGTCAAATCACAAGAGTATTCGAAAAATCCCAAAATCACCTCT[C>T]CTACCAGTTTTGTGATGCGATCTAATACCAGTTATCCCATTTATAACTAATCAATACTGA-3'

ClinVar aggregate classification (germline): Benign (1 of 4 stars; one submission).

Allele frequency attached by ClinVar (database versions not stated): 1000 Genomes Project 0.40855; gnomAD 0.41189 and 0.41727; 1000 Genomes Project 30x 0.41209; TOPMed 0.41869.
gnomAD v4.1: 62,718 of 151,968 alleles (41%); highest among the groups gnomAD compares: African/African-American, 48%; 12,991 homozygotes.

Submission:

GeneDx
Classification: Benign. Last evaluated: 2018-06-16. Review status: criteria provided, single submitter. Criteria: GeneDx Variant Classification (06012015). Collection method: clinical testing. Allele origin: germline. Affected: yes.
Comment: This variant is considered likely benign or benign based on one or more of the following criteria: it is a conservative change, it occurs at a poorly conserved position in the protein, it is predicted to be benign by multiple in silico algorithms, and/or has population frequency not consistent with disease.